The following is an entry in ClinVar:

ClinVar aggregate classification (germline): Likely benign. Review status: criteria provided, multiple submitters, no conflicts (2 of 4 stars). 4 submissions from 4 submitters: Likely benign (4). Last evaluated 2026-02-03.

Conditions:
Hypercholesterolemia, autosomal dominant, type B (FHCL2). Also called: Familial Hypercholesterolemia Type B; Hyperlipoproteinemia Type IIb; APOB-Related Familial Hypercholesterolemia, Autosomal Dominant; Familial hypercholesterolemia 2; HYPERCHOLESTEROLEMIA, FAMILIAL, DUE TO LIGAND-DEFECTIVE APOLIPOPROTEIN B; APOLIPOPROTEIN B-100, FAMILIAL DEFECTIVE. Identifiers: MedGen C1704417, MONDO:0007751, OMIM 144010.
Familial hypobetalipoproteinemia 1. Also called: Hypobetalipoproteinemia, normotriglyceridemic; Acanthocytosis with hypobetalipoproteinemia; APOB-Related Familial Hypobetalipoproteinemia. Identifiers: MedGen C4551990, MONDO:0014252, OMIM 615558.
Cardiovascular phenotype. Identifiers: MedGen CN230736.

Allele frequency attached by ClinVar (database versions not stated): ExAC 0.00001; gnomAD 0.00001 and 0.00002; gnomAD exomes 0.00001 and 0.00002; TOPMed 0.00002.

Submissions (4):

Labcorp Genetics (formerly Invitae), Labcorp
Classification: Likely benign for Familial hypobetalipoproteinemia 1; Hypercholesterolemia, autosomal dominant, type B. Last evaluated: 2026-02-03. Review status: criteria provided, single submitter. Criteria: Invitae Variant Classification Sherloc (09022015). Collection method: clinical testing. Allele origin: germline.

CeGaT Center for Human Genetics Tuebingen
Classification: Likely benign. Last evaluated: 2024-06-01. Review status: criteria provided, single submitter. Criteria: CeGaT Center For Human Genetics Tuebingen Variant Classification Criteria Version 2. Collection method: clinical testing. Allele origin: germline. Affected: yes. Observed: 3 variant alleles.
Comment: APOB: BP4, BP7

Quest Diagnostics Nichols Institute San Juan Capistrano
Classification: Likely benign. Last evaluated: 2022-12-29. Review status: criteria provided, single submitter. Criteria: Quest Diagnostics criteria. Collection method: clinical testing. Allele origin: unknown.

Ambry Genetics
Classification: Likely benign for Cardiovascular phenotype. Last evaluated: 2022-03-03. Review status: criteria provided, single submitter. Criteria: Ambry Variant Classification Scheme 2023. Collection method: clinical testing. Allele origin: germline.

NM_000384.3(APOB):c.12510C>T (p.Asn4170=)

Gene: APOB (apolipoprotein B; minus strand). Cytogenetic location: 2p24.1.
Variant type: single nucleotide variant.
Coding change: c.12510C>T on transcript NM_000384.3 (MANE Select); coding-DNA position 12510, C replaced by T.
Protein change: p.Asn4170=; no amino-acid change (asparagine 4170 retained).
Molecular consequence: synonymous variant.
Genome position (GRCh38, 1-based): chr2:21,002,912, G>A on the plus strand (C>T on the coding strand, the complement: APOB is on the minus strand). VCF-style: chr2-21002912-G-A. GRCh37 (hg19) VCF-style: chr2-21225784-G-A.
Identifiers: ClinVar variation 925131 (VCV000925131.47), dbSNP rs764649432, ClinGen allele CA050415.
Genomic context (GRCh38, chr2:21,002,912, plus strand): 5'-AATCAGATGCTTGACTTTCATATGGAATTCTTGAGTAACTCGTACCAAGCCATCAAACAC[G>A]TTATCCTTGAGTCCCTGGAAACTGGCTTGGCCTTCCTGAGTCAACAGTTCCTGGTACAGA-3'
Protein context (NP_000375.3, residues 4160-4180): GQASFQGLKD[Asn4170=]VFDGLVRVTQ